The following is an entry in ClinVar:

ClinVar aggregate classification (germline): Conflicting classifications of pathogenicity. Review status: criteria provided, conflicting classifications (1 of 4 stars). 3 submissions from 3 submitters: Uncertain significance (1); Likely benign (2). Last evaluated 2025-10-10.

gnomAD v4.1: 438 of 1,551,688 alleles (0.028%); highest among the groups gnomAD compares: Middle Eastern, 0.067%; 1 homozygote.

Submissions (3):

Labcorp Genetics (formerly Invitae), Labcorp
Classification: Uncertain significance. Last evaluated: 2025-10-10. Review status: criteria provided, single submitter. Criteria: Invitae Variant Classification Sherloc (09022015). Collection method: clinical testing. Allele origin: germline.
Comment: This sequence change replaces alanine, which is neutral and non-polar, with glycine, which is neutral and non-polar, at codon 1263 of the GREB1L protein (p.Ala1263Gly). This variant is present in population databases (rs764201914, gnomAD 0.04%), and has an allele count higher than expected for a pathogenic variant. This variant has not been reported in the literature in individuals affected with GREB1L-related conditions. ClinVar contains an entry for this variant (Variation ID: 3633291). An algorithm developed to predict the effect of missense changes on protein structure and function (PolyPhen-2) suggests that this variant is likely to be tolerated. In summary, the available evidence is currently insufficient to determine the role of this variant in disease. Therefore, it has been classified as a Variant of Uncertain Significance.

Laboratory of Genetics, Children's Clinical University Hospital Latvia
Classification: Likely benign. Last evaluated: 2025-02-16. Review status: criteria provided, single submitter. Criteria: ACMG Guidelines, 2015. Collection method: clinical testing. Allele origin: germline. Affected: yes.

Blueprint Genetics
Classification: Likely benign. Last evaluated: 2024-11-05. Review status: criteria provided, single submitter. Criteria: ACMG Guidelines, 2015. Collection method: clinical testing. Allele origin: germline.

NM_001142966.3(GREB1L):c.3788C>G (p.Ala1263Gly)

Gene: GREB1L (GREB1 like retinoic acid receptor coactivator; plus strand). Cytogenetic location: 18q11.2.
Variant type: single nucleotide variant.
Coding change: c.3788C>G on transcript NM_001142966.3 (MANE Select); coding-DNA position 3788, C replaced by G.
Protein change: p.Ala1263Gly; replaces alanine 1263 with glycine.
Molecular consequence: missense variant.
Genome position (GRCh38, 1-based): chr18:21,500,125, C>G. VCF-style: chr18-21500125-C-G. GRCh37 (hg19) VCF-style: chr18-19080086-C-G.
Other names: c.3917C>G, p.Ala1306Gly (NM_001410867.1); c.3461C>G, p.Ala1154Gly (NM_001410868.1); short protein forms A1154G, A1263G, A1306G.
Identifiers: ClinVar variation 3633291 (VCV003633291.4).